The following is an entry in ClinVar:

ClinVar aggregate classification (germline): Pathogenic (1 of 4 stars; one submission).

Conditions:
Familial thoracic aortic aneurysm and aortic dissection (TAAD). Also called: Thoracic aortic aneurysms and dissections. Identifiers: Orphanet 91387, MedGen C4707243, MONDO:0019625.
Marfan syndrome (MFS). Also called: MARFAN SYNDROME, TYPE I; Marfan syndrome type 1; Marfan's syndrome; Marfan syndrome, classic; FBN1-Related Marfan Syndrome. Identifiers: Orphanet 284963, Orphanet 558, MedGen C0024796, MONDO:0007947, OMIM 154700.

Submission:

Labcorp Genetics (formerly Invitae), Labcorp
Classification: Pathogenic for Marfan syndrome; Familial thoracic aortic aneurysm and aortic dissection. Last evaluated: 2024-12-27. Review status: criteria provided, single submitter. Criteria: Invitae Variant Classification Sherloc (09022015). Collection method: clinical testing. Allele origin: germline.
Comment: This sequence change replaces cysteine, which is neutral and slightly polar, with arginine, which is basic and polar, at codon 2151 of the FBN1 protein (p.Cys2151Arg). This variant is not present in population databases (gnomAD no frequency). This missense change has been observed in individual(s) with Marfan syndrome (PMID: 19293843). ClinVar contains an entry for this variant (Variation ID: 2137681). Invitae Evidence Modeling of protein sequence and biophysical properties (such as structural, functional, and spatial information, amino acid conservation, physicochemical variation, residue mobility, and thermodynamic stability) indicates that this missense variant is expected to disrupt FBN1 protein function with a positive predictive value of 95%. This variant affects a cysteine residue in the EGF-like, TGFBP or hybrid motif domains of FBN1. Cysteine residues are believed to be involved in intramolecular disulfide bridges and have been shown to be important for FBN1 protein structure (PMID: 16905551, 19349279). In addition, missense substitutions affecting cysteine residues within these domains are significantly overrepresented among patients with Marfan syndrome (PMID: 16571647, 17701892). This variant disrupts the p.Cys2151 amino acid residue in FBN1. Other variant(s) that disrupt this residue have been observed in individuals with FBN1-related conditions (PMID: 8136837, 19293843; internal data), which suggests that this may be a clinically significant amino acid residue. For these reasons, this variant has been classified as Pathogenic.

Literature cited by the submitters: PubMed 19293843; PubMed 16905551; PubMed 19349279; PubMed 16571647; PubMed 17701892; PubMed 8136837.

NM_000138.5(FBN1):c.6451T>C (p.Cys2151Arg)

Gene: FBN1 (fibrillin 1; minus strand). Cytogenetic location: 15q21.1.
Variant type: single nucleotide variant.
Coding change: c.6451T>C on transcript NM_000138.5 (MANE Select); coding-DNA position 6451, T replaced by C.
Protein change: p.Cys2151Arg; replaces cysteine 2151 with arginine.
Molecular consequence: missense variant.
Genome position (GRCh38, 1-based): chr15:48,437,006, A>G on the plus strand (T>C on the coding strand, the complement: FBN1 is on the minus strand). VCF-style: chr15-48437006-A-G. GRCh37 (hg19) VCF-style: chr15-48729203-A-G.
Other names: c.6451T>C, p.Cys2151Arg (NM_001406716.1); short protein forms C2151R.
Identifiers: ClinVar variation 2137681 (VCV002137681.4), dbSNP rs2505435789, ClinGen allele CA392336527.
Genomic context (GRCh38, chr15:48,437,006, plus strand): 5'-AAACTTATTACTCACCTACACATTCATTCCCTGCTAGAATATAACCAAAGGGACACTCGC[A>G]GCGATAGGAACCATCTGTATTGATGCACTGTCCATGTTTACAGACATCGGGTTCTTTGCA-3'
Protein context (NP_000129.3, residues 2141-2161): QCINTDGSYR[Cys2151Arg]ECPFGYILAG